The following is an entry in ClinVar:

NM_018685.5(ANLN):c.1686G>A (p.Ser562=)

Gene: ANLN (anillin, actin binding protein; plus strand). Cytogenetic location: 7p14.2.
Variant type: single nucleotide variant.
Coding change: c.1686G>A on transcript NM_018685.5 (MANE Select); coding-DNA position 1686, G replaced by A.
Protein change: p.Ser562=; no amino-acid change (serine 562 retained).
Molecular consequence: synonymous variant.
Genome position (GRCh38, 1-based): chr7:36,419,296, G>A. VCF-style: chr7-36419296-G-A. GRCh37 (hg19) VCF-style: chr7-36458905-G-A.
Other names: p.Ser562=; c.1575G>A, p.Ser525= (NM_001284301.3); c.1572G>A, p.Ser524= (NM_001284302.3).
Identifiers: ClinVar variation 1170048 (VCV001170048.15), dbSNP rs34371129, ClinGen allele CA4219680.
Genomic context (GRCh38, chr7:36,419,296, plus strand): 5'-TTTTTCAGAAGTGATACGTGAAATTGAGATGAGTGTGGATGATGATGATATCAATAGTTC[G>A]AAAGTAATTAATGACCTCTTCAGTGATGTCCTAGAGGAAGGTGAACTAGATATGGAGAAG-3'
Protein context (NP_061155.2, residues 552-572): MSVDDDDINS[Ser562=]KVINDLFSDV

ClinVar aggregate classification (germline): Benign/Likely benign. Review status: criteria provided, multiple submitters, no conflicts (2 of 4 stars). 6 submissions from 6 submitters: Benign (4); Likely benign (2). Last evaluated 2026-01-27.

Conditions:
Focal segmental glomerulosclerosis 8 (FSGS8). Identifiers: Orphanet 656, MedGen C4014993, MONDO:0014462, OMIM 616032.

Allele frequency attached by ClinVar (database versions not stated): gnomAD exomes 0.00104 and 0.00262; ExAC 0.00339; gnomAD 0.01016 and 0.01094; TOPMed 0.01193; 1000 Genomes Project 0.01238; 1000 Genomes Project 30x 0.01312; ESP Exome Variant Server 0.01315.
gnomAD v4.1: 3,133 of 1,614,036 alleles (0.19%); highest among the groups gnomAD compares: African/African-American, 3.6%; 47 homozygotes.

Submissions (6):

Labcorp Genetics (formerly Invitae), Labcorp
Classification: Benign. Last evaluated: 2026-01-27. Review status: criteria provided, single submitter. Criteria: Invitae Variant Classification Sherloc (09022015). Collection method: clinical testing. Allele origin: germline.

Mayo Clinic Laboratories, Mayo Clinic
Classification: Benign. Last evaluated: 2023-03-30. Review status: criteria provided, single submitter. Criteria: ACMG Guidelines, 2015. Collection method: clinical testing. Allele origin: germline. Observed: 2 variant alleles.
Comment: BS1, BP4, BP7

Fulgent Genetics
Classification: Benign for Focal segmental glomerulosclerosis 8. Last evaluated: 2022-03-04. Review status: criteria provided, single submitter. Criteria: ACMG Guidelines, 2015. Collection method: clinical testing. Allele origin: unknown.

Genome-Nilou Lab
Classification: Benign for Focal segmental glomerulosclerosis 8. Last evaluated: 2021-12-05. Review status: criteria provided, single submitter. Criteria: ACMG Guidelines, 2015. Collection method: clinical testing. Allele origin: germline. Affected: no.

GeneDx
Classification: Likely benign. Last evaluated: 2020-12-19. Review status: criteria provided, single submitter. Criteria: GeneDx Variant Classification Process June 2021. Collection method: clinical testing. Allele origin: germline. Affected: yes.

Breakthrough Genomics
Classification: Likely benign. Review status: criteria provided, single submitter. Criteria: ACMG Guidelines, 2015. Collection method: not provided. Allele origin: germline. Inheritance: Autosomal dominant inheritance. Affected: yes.